The following is an entry in ClinVar:

NM_000095.3(COMP):c.1025A>G (p.Asp342Gly)

Gene: COMP (cartilage oligomeric matrix protein; minus strand). Cytogenetic location: 19p13.11.
Variant type: single nucleotide variant.
Coding change: c.1025A>G on transcript NM_000095.3 (MANE Select); coding-DNA position 1025, A replaced by G.
Protein change: p.Asp342Gly; replaces aspartic acid 342 with glycine.
Molecular consequence: missense variant.
Genome position (GRCh38, 1-based): chr19:18,787,601, T>C on the plus strand (A>G on the coding strand, the complement: COMP is on the minus strand). VCF-style: chr19-18787601-T-C. GRCh37 (hg19) VCF-style: chr19-18898410-T-C.
Other names: short protein forms D342G.
Identifiers: ClinVar variation 4293855 (VCV004293855.1).

ClinVar aggregate classification (germline): Uncertain significance (1 of 4 stars; one submission).

Conditions:
COMP-related disorder. Also called: COMP-related condition; COMP-related disorders.

gnomAD v4.1: 3 of 1,613,924 alleles (0.00019%); highest among the groups gnomAD compares: Admixed American, 0.005%; no homozygotes.

Submission:

3billion
Classification: Uncertain significance for COMP-related disorder. Last evaluated: 2024-11-27. Review status: criteria provided, single submitter. Criteria: ACMG Guidelines, 2015. Collection method: clinical testing. Allele origin: germline. Affected: yes.
Comment: The variant is observed at an extremely low frequency in the gnomAD v4.1.0 dataset (total allele frequency: <0.001%). Predicted Consequence/Location: Missense variant. Missense changes are a common disease-causing mechanism. In silico tool predictions suggest damaging effect of the variant on gene or gene product [REVEL: 0.84 (>=0.6, sensitivity 0.68 and specificity 0.92); 3Cnet: 1.00 (>=0.6, sensitivity 0.72 and precision 0.9)]. A different missense change at the same codon (p.Asp342Tyr) has been reported to be associated with COMP related disorder (ClinVar ID: VCV000009187 /PMID: 7670472). Therefore, this variant is classified as VUS according to the recommendation of ACMG/AMP guideline.

Literature cited by the submitters: PubMed 7670472.